The following is an entry in ClinVar:

NM_017882.3(CLN6):c.-23G>A

Gene: CLN6 (CLN6 transmembrane ER protein; minus strand). Cytogenetic location: 15q23.
Variant type: single nucleotide variant.
Coding change: c.-23G>A on transcript NM_017882.3 (MANE Select); 23 bases upstream of the start codon, G replaced by A.
Molecular consequence: 5 prime UTR variant.
Genome position (GRCh38, 1-based): chr15:68,229,607, C>T on the plus strand (G>A on the coding strand, the complement: CLN6 is on the minus strand). VCF-style: chr15-68229607-C-T. GRCh37 (hg19) VCF-style: chr15-68521945-C-T.
Identifiers: ClinVar variation 506701 (VCV000506701.2), dbSNP rs536088577, ClinGen allele CA7630734.

ClinVar aggregate classification (germline): Likely benign. Review status: criteria provided, multiple submitters, no conflicts (2 of 4 stars). 2 submissions from 2 submitters: Likely benign (2). Last evaluated 2017-08-18.

Allele frequency attached by ClinVar (database versions not stated): TOPMed 0.00002; gnomAD exomes 0.00009 and 0.00028; 1000 Genomes Project 30x 0.00016; 1000 Genomes Project 0.00020; ExAC 0.00087.
gnomAD v4.1: 121 of 1,448,078 alleles (0.0084%); highest among the groups gnomAD compares: South Asian, 0.14%; 2 homozygotes.

Submissions (2):

GeneDx
Classification: Likely benign. Last evaluated: 2017-08-18. Review status: criteria provided, single submitter. Criteria: GeneDx Variant Classification (06012015). Collection method: clinical testing. Allele origin: germline. Affected: yes.
Comment: This variant is considered likely benign or benign based on one or more of the following criteria: it is a conservative change, it occurs at a poorly conserved position in the protein, it is predicted to be benign by multiple in silico algorithms, and/or has population frequency not consistent with disease.

Breakthrough Genomics
Classification: Likely benign. Review status: criteria provided, single submitter. Criteria: ACMG Guidelines, 2015. Collection method: not provided. Allele origin: germline. Inheritance: Autosomal recessive inheritance. Affected: yes.